The following is an entry in ClinVar:

ClinVar aggregate classification (germline): Uncertain significance. Review status: criteria provided, multiple submitters, no conflicts (2 of 4 stars). 2 submissions from 2 submitters: Uncertain significance (2). Last evaluated 2024-05-29.

Conditions:
Primary ciliary dyskinesia. Also called: Ciliary dyskinesia. Identifiers: Orphanet 244, MedGen C0008780, MONDO:0016575, HP:0012265.

Allele frequency attached by ClinVar (database versions not stated): TOPMed 0.00002.
gnomAD v4.1: 52 of 1,613,260 alleles (0.0032%); highest among the groups gnomAD compares: Non-Finnish European, 0.004%; no homozygotes.

Submissions (2):

Ambry Genetics
Classification: Uncertain significance for Primary ciliary dyskinesia. Last evaluated: 2024-05-29. Review status: criteria provided, single submitter. Criteria: Ambry Variant Classification Scheme 2023. Collection method: clinical testing. Allele origin: germline.

Labcorp Genetics (formerly Invitae), Labcorp
Classification: Uncertain significance for Primary ciliary dyskinesia. Last evaluated: 2019-03-26. Review status: criteria provided, single submitter. Criteria: Invitae Variant Classification Sherloc (09022015). Collection method: clinical testing. Allele origin: germline.
Comment: This variant is present in population databases (rs745857720, ExAC 0.003%). This variant has not been reported in the literature in individuals with DNAAF1-related conditions. Algorithms developed to predict the effect of missense changes on protein structure and function (SIFT, PolyPhen-2, Align-GVGD) all suggest that this variant is likely to be disruptive, but these predictions have not been confirmed by published functional studies and their clinical significance is uncertain. In summary, the available evidence is currently insufficient to determine the role of this variant in disease. Therefore, it has been classified as a Variant of Uncertain Significance. This sequence change replaces alanine with valine at codon 291 of the DNAAF1 protein (p.Ala291Val). The alanine residue is highly conserved and there is a small physicochemical difference between alanine and valine.

NM_178452.6(DNAAF1):c.872C>T (p.Ala291Val)

Gene: DNAAF1 (dynein axonemal assembly factor 1; plus strand). Cytogenetic location: 16q24.1.
Variant type: single nucleotide variant.
Coding change: c.872C>T on transcript NM_178452.6 (MANE Select); coding-DNA position 872, C replaced by T.
Protein change: p.Ala291Val; replaces alanine 291 with valine.
Molecular consequence: missense variant.
Genome position (GRCh38, 1-based): chr16:84,165,791, C>T. VCF-style: chr16-84165791-C-T. GRCh37 (hg19) VCF-style: chr16-84199397-C-T.
Other names: c.116C>T, p.Ala39Val (NM_001318756.1); short protein forms A291V, A39V.
Identifiers: ClinVar variation 837716 (VCV000837716.10), dbSNP rs745857720, ClinGen allele CA8202654.